The following is an entry in ClinVar:

ClinVar aggregate classification (germline): Uncertain significance (1 of 4 stars; one submission).

Allele frequency attached by ClinVar (database versions not stated): gnomAD exomes below 0.00001; gnomAD 0.00001; TOPMed 0.00001.
gnomAD v4.1: 3 of 1,600,998 alleles (0.00019%); highest among the groups gnomAD compares: African/African-American, 0.004%; no homozygotes.

Submission:

Labcorp Genetics (formerly Invitae), Labcorp
Classification: Uncertain significance. Last evaluated: 2022-10-23. Review status: criteria provided, single submitter. Criteria: Invitae Variant Classification Sherloc (09022015). Collection method: clinical testing. Allele origin: germline.
Comment: This sequence change replaces alanine, which is neutral and non-polar, with valine, which is neutral and non-polar, at codon 36 of the BMP2 protein (p.Ala36Val). This variant is present in population databases (no rsID available, gnomAD 0.005%). This variant has not been reported in the literature in individuals affected with BMP2-related conditions. Algorithms developed to predict the effect of missense changes on protein structure and function are either unavailable or do not agree on the potential impact of this missense change (SIFT: "Not Available"; PolyPhen-2: "Benign"; Align-GVGD: "Not Available"). In summary, the available evidence is currently insufficient to determine the role of this variant in disease. Therefore, it has been classified as a Variant of Uncertain Significance.

NM_001200.4(BMP2):c.107C>T (p.Ala36Val)

Gene: BMP2 (bone morphogenetic protein 2; plus strand). Cytogenetic location: 20p12.3.
Variant type: single nucleotide variant.
Coding change: c.107C>T on transcript NM_001200.4 (MANE Select); coding-DNA position 107, C replaced by T.
Protein change: p.Ala36Val; replaces alanine 36 with valine.
Molecular consequence: missense variant.
Genome position (GRCh38, 1-based): chr20:6,770,233, C>T. VCF-style: chr20-6770233-C-T. GRCh37 (hg19) VCF-style: chr20-6750880-C-T.
Other names: short protein forms A36V.
Identifiers: ClinVar variation 1920753 (VCV001920753.5), dbSNP rs1418608910, ClinGen allele CA408260252.
Genomic context (GRCh38, chr20:6,770,233, plus strand): 5'-TCCTCCTGGGCGGCGCGGCTGGCCTCGTTCCGGAGCTGGGCCGCAGGAAGTTCGCGGCGG[C>T]GTCGTCGGGCCGCCCCTCATCCCAGCCCTCTGACGAGGTCCTGAGCGAGTTCGAGTTGCG-3'
Protein context (NP_001191.1, residues 26-46): PELGRRKFAA[Ala36Val]SSGRPSSQPS